The following is an entry in ClinVar:

NM_018063.5(HELLS):c.1852-16A>G

Gene: HELLS (helicase, lymphoid specific; plus strand). Cytogenetic location: 10q23.33.
Variant type: single nucleotide variant.
Coding change: c.1852-16A>G on transcript NM_018063.5 (MANE Select); 16 bases into the intron before coding-DNA position 1852, A replaced by G.
Molecular consequence: intron variant.
Genome position (GRCh38, 1-based): chr10:94,592,379, A>G. VCF-style: chr10-94592379-A-G. GRCh37 (hg19) VCF-style: chr10-96352136-A-G.
Other names: c.1480-16A>G (NM_001289071.2); c.1990-16A>G (NM_001289067.2); c.634-16A>G (NM_001289075.2); c.1558-16A>G (NM_001289070.2); c.769-16A>G (NM_001289074.2); c.1756-16A>G (NM_001289069.2); c.1462-16A>G (NM_001289072.2); c.1438-16A>G (NM_001289073.2); and 1 more.
Identifiers: ClinVar variation 1956584 (VCV001956584.4), dbSNP rs1243398670, ClinGen allele CA595310148.

ClinVar aggregate classification (germline): Uncertain significance (1 of 4 stars; one submission).

Allele frequency attached by ClinVar (database versions not stated): gnomAD exomes below 0.00001.
gnomAD v4.1: 1 of 1,579,954 alleles (0.000063%); highest among the groups gnomAD compares: Non-Finnish European, 0.000086%; no homozygotes.

Submission:

Labcorp Genetics (formerly Invitae), Labcorp
Classification: Uncertain significance. Last evaluated: 2023-08-10. Review status: criteria provided, single submitter. Criteria: Invitae Variant Classification Sherloc (09022015). Collection method: clinical testing. Allele origin: germline.
Comment: In summary, the available evidence is currently insufficient to determine the role of this variant in disease. Therefore, it has been classified as a Variant of Uncertain Significance. Algorithms developed to predict the effect of sequence changes on RNA splicing suggest that this variant may create or strengthen a splice site. ClinVar contains an entry for this variant (Variation ID: 1956584). This variant has not been reported in the literature in individuals affected with HELLS-related conditions. This variant is present in population databases (no rsID available, gnomAD 0.001%). This sequence change falls in intron 16 of the HELLS gene. It does not directly change the encoded amino acid sequence of the HELLS protein.